The following is an entry in ClinVar:

ClinVar aggregate classification (germline): Likely benign. Review status: criteria provided, multiple submitters, no conflicts (2 of 4 stars). 2 submissions from 2 submitters: Likely benign (2). Last evaluated 2023-11-11.

Conditions:
Autosomal recessive limb-girdle muscular dystrophy type 2J (LGMDR10). Also called: MUSCULAR DYSTROPHY, LIMB-GIRDLE, AUTOSOMAL RECESSIVE 10; Limb-girdle muscular dystrophy, type 2J. Identifiers: Orphanet 140922, MedGen C1837342, MONDO:0012127, OMIM 608807.
Dilated cardiomyopathy 1G (CMD1G). Identifiers: Orphanet 154, MedGen C1858763, MONDO:0011400, OMIM 604145.

gnomAD v4.1: 4 of 1,614,048 alleles (0.00025%); highest among the groups gnomAD compares: South Asian, 0.0011%; no homozygotes.

Submissions (2):

Labcorp Genetics (formerly Invitae), Labcorp
Classification: Likely benign for Dilated cardiomyopathy 1G; Autosomal recessive limb-girdle muscular dystrophy type 2J. Last evaluated: 2023-11-11. Review status: criteria provided, single submitter. Criteria: Invitae Variant Classification Sherloc (09022015). Collection method: clinical testing. Allele origin: germline.

GeneDx
Classification: Likely benign. Last evaluated: 2018-01-03. Review status: criteria provided, single submitter. Criteria: GeneDx Variant Classification (06012015). Collection method: clinical testing. Allele origin: germline. Affected: yes.
Comment: This variant is considered likely benign or benign based on one or more of the following criteria: it is a conservative change, it occurs at a poorly conserved position in the protein, it is predicted to be benign by multiple in silico algorithms, and/or has population frequency not consistent with disease.

NM_001267550.2(TTN):c.105210A>G (p.Thr35070=)

Genes: TTN-AS1 (TTN antisense RNA 1; plus strand), TTN (titin; minus strand). Cytogenetic location: 2q31.2.
Variant type: single nucleotide variant.
Coding change: c.105210A>G on transcript NM_001267550.2 (MANE Select); coding-DNA position 105210, A replaced by G.
Protein change: p.Thr35070=; no amino-acid change (threonine 35070 retained).
Molecular consequence: synonymous variant.
Genome position (GRCh38, 1-based): chr2:178,531,405, T>C on the plus strand (A>G on the coding strand, the complement: TTN is on the minus strand). VCF-style: chr2-178531405-T-C. GRCh37 (hg19) VCF-style: chr2-179396132-T-C.
Other names: c.100287A>G, p.Thr33429= (NM_001256850.1); c.78015A>G, p.Thr26005= (NM_003319.4); c.97506A>G, p.Thr32502= (NM_133378.4); c.78390A>G, p.Thr26130= (NM_133432.3); c.78591A>G, p.Thr26197= (NM_133437.4).
Identifiers: ClinVar variation 514554 (VCV000514554.6), dbSNP rs1553486016, ClinGen allele CA430236978.